The following is an entry in ClinVar:

ClinVar aggregate classification (germline): Likely pathogenic (1 of 4 stars; one submission).

Conditions:
Developmental and epileptic encephalopathy, 25 (DEE25). Also called: Developmental and epileptic encephalopathy 25, with amelogenesis imperfecta; Epileptic encephalopathy, early infantile, 25, with amelogenesis imperfecta; Epileptic encephalopathy, early infantile, 25. Identifiers: Orphanet 442835, MedGen C4014621, MONDO:0014392, OMIM 615905.

Submission:

Labcorp Genetics (formerly Invitae), Labcorp
Classification: Likely pathogenic for Developmental and epileptic encephalopathy, 25. Last evaluated: 2024-03-05. Review status: criteria provided, single submitter. Criteria: Invitae Variant Classification Sherloc (09022015). Collection method: clinical testing. Allele origin: germline.
Comment: This sequence change affects an acceptor splice site in intron 10 of the SLC13A5 gene. It is expected to disrupt RNA splicing. Variants that disrupt the donor or acceptor splice site typically lead to a loss of protein function (PMID: 16199547), and loss-of-function variants in SLC13A5 are known to be pathogenic (PMID: 24995870, 26384929). This variant is not present in population databases (gnomAD no frequency). This variant has not been reported in the literature in individuals affected with SLC13A5-related conditions. Algorithms developed to predict the effect of sequence changes on RNA splicing suggest that this variant may disrupt the consensus splice site. In summary, the currently available evidence indicates that the variant is pathogenic, but additional data are needed to prove that conclusively. Therefore, this variant has been classified as Likely Pathogenic.

Literature cited by the submitters: PubMed 16199547; PubMed 24995870; PubMed 26384929.

NM_177550.5(SLC13A5):c.1438-1G>A

Gene: SLC13A5 (solute carrier family 13 member 5; minus strand). Cytogenetic location: 17p13.1.
Variant type: single nucleotide variant.
Coding change: c.1438-1G>A on transcript NM_177550.5 (MANE Select); the canonical splice acceptor site of the intron before coding-DNA position 1438, G replaced by A.
Molecular consequence: splice acceptor variant. On other transcripts: intron variant (1).
Genome position (GRCh38, 1-based): chr17:6,687,667, C>T on the plus strand (G>A on the coding strand, the complement: SLC13A5 is on the minus strand). VCF-style: chr17-6687667-C-T. GRCh37 (hg19) VCF-style: chr17-6590986-C-T.
Other names: c.1309-1G>A (NM_001284510.2); c.1387-1G>A (NM_001284509.2); c.1438-1329G>A (NM_001143838.3).
Identifiers: ClinVar variation 3644557 (VCV003644557.2).